The following is an entry in ClinVar:

ClinVar aggregate classification (germline): Uncertain significance (1 of 4 stars; one submission).

Conditions:
Charcot-Marie-Tooth disease dominant intermediate B (CMTDIB). Also called: Charcot-Marie-Tooth disease dominant intermediate 1; CMT DI1; Charcot-Marie-Tooth disease dominant intermediate I; CHARCOT-MARIE-TOOTH NEUROPATHY, DOMINANT INTERMEDIATE B. Identifiers: Orphanet 100044, Orphanet 228179, MedGen C1847902, MONDO:0011674, OMIM 606482.

Allele frequency attached by ClinVar (database versions not stated): gnomAD exomes below 0.00001.
gnomAD v4.1: 1 of 1,613,914 alleles (0.000062%); highest among the groups gnomAD compares: Admixed American, 0.0017%; no homozygotes.

Submission:

Labcorp Genetics (formerly Invitae), Labcorp
Classification: Uncertain significance for Charcot-Marie-Tooth disease dominant intermediate B. Last evaluated: 2020-08-16. Review status: criteria provided, single submitter. Criteria: Invitae Variant Classification Sherloc (09022015). Collection method: clinical testing. Allele origin: germline.
Comment: This variant has not been reported in the literature in individuals with DNM2-related conditions. Algorithms developed to predict the effect of missense changes on protein structure and function are either unavailable or do not agree on the potential impact of this missense change (SIFT: "Deleterious"; PolyPhen-2: "Probably Damaging"; Align-GVGD: "Class C0"). In summary, the available evidence is currently insufficient to determine the role of this variant in disease. Therefore, it has been classified as a Variant of Uncertain Significance. This sequence change replaces arginine with histidine at codon 724 of the DNM2 protein (p.Arg724His). The arginine residue is highly conserved and there is a small physicochemical difference between arginine and histidine. This variant is not present in population databases (ExAC no frequency).

NM_001005361.3(DNM2):c.2171G>A (p.Arg724His)

Gene: DNM2 (dynamin 2; plus strand). Cytogenetic location: 19p13.2.
Variant type: single nucleotide variant.
Coding change: c.2171G>A on transcript NM_001005361.3 (MANE Select); coding-DNA position 2171, G replaced by A.
Protein change: p.Arg724His; replaces arginine 724 with histidine.
Molecular consequence: missense variant.
Genome position (GRCh38, 1-based): chr19:10,829,148, G>A. VCF-style: chr19-10829148-G-A. GRCh37 (hg19) VCF-style: chr19-10939824-G-A.
Other names: c.2171G>A, p.Arg724His (NM_001190716.2, NM_001005360.3); c.2159G>A, p.Arg720His (NM_004945.4, NM_001005362.3); short protein forms R720H, R724H.
Identifiers: ClinVar variation 1035856 (VCV001035856.8), dbSNP rs1160341992, ClinGen allele CA404042912.